The following is an entry in ClinVar:

ClinVar aggregate classification (germline): Uncertain significance (1 of 4 stars; one submission).

Conditions:
Cardiovascular phenotype. Identifiers: MedGen CN230736.

Submission:

Ambry Genetics
Classification: Uncertain significance for Cardiovascular phenotype. Last evaluated: 2024-09-23. Review status: criteria provided, single submitter. Criteria: Ambry Variant Classification Scheme 2023. Collection method: clinical testing. Allele origin: germline.
Comment: The p.S105N variant (also known as c.314G>A), located in coding exon 2 of the SCN10A gene, results from a G to A substitution at nucleotide position 314. The serine at codon 105 is replaced by asparagine, an amino acid with highly similar properties. This amino acid position is conserved. In addition, this alteration is predicted to be tolerated by in silico analysis. Based on the available evidence, the clinical significance of this variant remains unclear.

NM_006514.4(SCN10A):c.314G>A (p.Ser105Asn)

Gene: SCN10A (sodium voltage-gated channel alpha subunit 10; minus strand). Cytogenetic location: 3p22.2.
Variant type: single nucleotide variant.
Coding change: c.314G>A on transcript NM_006514.4 (MANE Select); coding-DNA position 314, G replaced by A.
Protein change: p.Ser105Asn; replaces serine 105 with asparagine.
Molecular consequence: missense variant.
Genome position (GRCh38, 1-based): chr3:38,792,125, C>T on the plus strand (G>A on the coding strand, the complement: SCN10A is on the minus strand). VCF-style: chr3-38792125-C-T. GRCh37 (hg19) VCF-style: chr3-38833616-C-T.
Other names: c.314G>A, p.Ser105Asn (NM_001293306.2, NM_001293307.2); short protein forms S105N.
Identifiers: ClinVar variation 3438119 (VCV003438119.1).